The following is an entry in ClinVar:

NM_020975.6(RET):c.3089ACG[1] (p.Asp1031del)

Gene: RET (ret proto-oncogene; plus strand). Cytogenetic location: 10q11.21.
Variant type: Microsatellite.
Coding change: c.3089ACG[1] on transcript NM_020975.6 (MANE Select); one copy of the 3-base unit ACG starting at c.3089; the reference has two copies in a row; one copy, 3 bases deleted.
Protein change: p.Asp1031del; deletes aspartic acid 1031.
Molecular consequence: inframe deletion. On other transcripts: inframe indel (42).
Genome position (GRCh38, 1-based): chr10:43,126,627-43,126,629, ACG deleted; deleting any 3 consecutive bases within chr10:43,126,623-43,126,629 gives the same sequence; the position shown is the placement nearest the transcript's 3' end. VCF-style (leftmost placement, unchanged base first): chr10-43126622-TGAC-T. GRCh37 (hg19) VCF-style: chr10-43622070-TGAC-T.
Other names: c.3089_3091ACG[1], p.Asp1031del (NM_000323.2, NM_001406743.1, NM_001406744.1 and 4 more transcripts); c.2327_2329ACG[1], p.Asp777del (NM_001355216.2); c.2960_2962ACG[1], p.Asp988del (NM_001406761.1, NM_001406762.1, NM_001406764.1); c.2954_2956ACG[1], p.Asp986del (NM_001406763.1, NM_001406765.1); c.2801_2803ACG[1], p.Asp935del (NM_001406766.1, NM_001406767.1, NM_001406770.1); c.2825_2827ACG[1], p.Asp943del (NM_001406768.1); c.2693_2695ACG[1], p.Asp899del (NM_001406769.1, NM_001406772.1); c.2651_2653ACG[1], p.Asp885del (NM_001406771.1, NM_001406773.1); and 10 more; short protein forms D1031del, D777del, D548del, D689del, D692del, D789del, D856del, D885del.
Identifiers: ClinVar variation 1035240 (VCV001035240.11), dbSNP rs1260448063, ClinGen allele CA593290099.

ClinVar aggregate classification (germline): Uncertain significance. Review status: criteria provided, multiple submitters, no conflicts (2 of 4 stars). 2 submissions from 2 submitters: Uncertain significance (2). Last evaluated 2025-11-21.

Conditions:
Multiple endocrine neoplasia, type 2 (MEN2). Identifiers: Orphanet 653, MedGen C4048306, MONDO:0019003. Disease mechanism: gain of function.

Submissions (2):

Labcorp Genetics (formerly Invitae), Labcorp
Classification: Uncertain significance for Multiple endocrine neoplasia, type 2. Last evaluated: 2025-11-21. Review status: criteria provided, single submitter. Criteria: Invitae Variant Classification Sherloc (09022015). Collection method: clinical testing. Allele origin: germline.
Comment: This variant, c.3092_3094del, results in the deletion of 1 amino acid(s) of the RET protein (p.Asp1031del), but otherwise preserves the integrity of the reading frame. This variant is present in population databases (no rsID available, gnomAD 0.003%). This variant has not been reported in the literature in individuals affected with RET-related conditions. ClinVar contains an entry for this variant (Variation ID: 1035240). Experimental studies and prediction algorithms are not available or were not evaluated, and the functional significance of this variant is currently unknown. In summary, the available evidence is currently insufficient to determine the role of this variant in disease. Therefore, it has been classified as a Variant of Uncertain Significance.

All of Us Research Program, National Institutes of Health
Classification: Uncertain significance for Multiple endocrine neoplasia, type 2. Last evaluated: 2024-02-28. Review status: criteria provided, single submitter. Criteria: ACMG Guidelines, 2015. Collection method: clinical testing. Allele origin: germline. Inheritance: Autosomal dominant inheritance. Observed: 1 variant allele, 1 heterozygote.
Comment: This study involves interpretation of variants in research participants for the purpose of population health screening. Participant phenotype was not available at the time of variant classification. Additional details can be found in publication PMID: 35346344, PMCID: PMC8962531